The following is an entry in ClinVar:

NM_000878.5(IL2RB):c.10C>A (p.Pro4Thr)

Gene: IL2RB (interleukin 2 receptor subunit beta; minus strand). Cytogenetic location: 22q12.3.
Variant type: single nucleotide variant.
Coding change: c.10C>A on transcript NM_000878.5 (MANE Select); coding-DNA position 10, C replaced by A.
Protein change: p.Pro4Thr; replaces proline 4 with threonine.
Molecular consequence: missense variant.
Genome position (GRCh38, 1-based): chr22:37,144,163, G>T on the plus strand (C>A on the coding strand, the complement: IL2RB is on the minus strand). VCF-style: chr22-37144163-G-T. GRCh37 (hg19) VCF-style: chr22-37540203-G-T.
Other names: c.10C>A, p.Pro4Thr (NM_001346222.1, NM_001346223.2); short protein forms P4T.
Identifiers: ClinVar variation 1367605 (VCV001367605.7), dbSNP rs1203813846, ClinGen allele CA411429833.

ClinVar aggregate classification (germline): Uncertain significance (1 of 4 stars; one submission).

Allele frequency attached by ClinVar (database versions not stated): gnomAD exomes 0.00001.
gnomAD v4.1: 3 of 1,551,406 alleles (0.00019%); highest among the groups gnomAD compares: Non-Finnish European, 0.00026%; no homozygotes.

Submission:

Labcorp Genetics (formerly Invitae), Labcorp
Classification: Uncertain significance. Last evaluated: 2021-07-24. Review status: criteria provided, single submitter. Criteria: Invitae Variant Classification Sherloc (09022015). Collection method: clinical testing. Allele origin: germline.
Comment: In summary, the available evidence is currently insufficient to determine the role of this variant in disease. Therefore, it has been classified as a Variant of Uncertain Significance. Algorithms developed to predict the effect of missense changes on protein structure and function output the following: SIFT: "Tolerated"; PolyPhen-2: "Benign"; Align-GVGD: "Class C0". The threonine amino acid residue is found in multiple mammalian species, which suggests that this missense change does not adversely affect protein function. This variant has not been reported in the literature in individuals affected with IL2RB-related conditions. This variant is not present in population databases (ExAC no frequency). This sequence change replaces proline with threonine at codon 4 of the IL2RB protein (p.Pro4Thr). The proline residue is weakly conserved and there is a small physicochemical difference between proline and threonine.